The following is an entry in ClinVar:

ClinVar aggregate classification (germline): Uncertain significance (1 of 4 stars; one submission).

Submission:

Labcorp Genetics (formerly Invitae), Labcorp
Classification: Uncertain significance. Last evaluated: 2022-10-13. Review status: criteria provided, single submitter. Criteria: Invitae Variant Classification Sherloc (09022015). Collection method: clinical testing. Allele origin: germline.
Comment: In summary, the available evidence is currently insufficient to determine the role of this variant in disease. Therefore, it has been classified as a Variant of Uncertain Significance. Advanced modeling of protein sequence and biophysical properties (such as structural, functional, and spatial information, amino acid conservation, physicochemical variation, residue mobility, and thermodynamic stability) performed at Invitae indicates that this missense variant is not expected to disrupt COL11A1 protein function. This variant has not been reported in the literature in individuals affected with COL11A1-related conditions. This variant is not present in population databases (gnomAD no frequency). This sequence change replaces proline, which is neutral and non-polar, with threonine, which is neutral and polar, at codon 1664 of the COL11A1 protein (p.Pro1664Thr).

NM_001854.4(COL11A1):c.4990C>A (p.Pro1664Thr)

Gene: COL11A1 (collagen type XI alpha 1 chain; minus strand). Cytogenetic location: 1p21.1.
Variant type: single nucleotide variant.
Coding change: c.4990C>A on transcript NM_001854.4 (MANE Select); coding-DNA position 4990, C replaced by A.
Protein change: p.Pro1664Thr; replaces proline 1664 with threonine.
Molecular consequence: missense variant. On other transcripts: non-coding transcript variant (1).
Genome position (GRCh38, 1-based): chr1:102,881,747, G>T on the plus strand (C>A on the coding strand, the complement: COL11A1 is on the minus strand). VCF-style: chr1-102881747-G-T. GRCh37 (hg19) VCF-style: chr1-103347303-G-T.
Other names: c.4642C>A, p.Pro1548Thr (NM_001168249.1, NM_080630.4); c.4873C>A, p.Pro1625Thr (NM_001190709.2); c.5026C>A, p.Pro1676Thr (NM_080629.3); short protein forms P1548T, P1625T, P1664T, P1676T.
Identifiers: ClinVar variation 1721515 (VCV001721515.5), dbSNP rs2524179923, ClinGen allele CA341211375.